The following is an entry in ClinVar:

ClinVar aggregate classification (germline): Uncertain significance (1 of 4 stars; one submission).

Conditions:
Cone-rod dystrophy 13 (CORD13). Identifiers: Orphanet 1872, MedGen C2750720, MONDO:0011987, OMIM 608194.
Leber congenital amaurosis 6 (LCA6). Identifiers: Orphanet 65, MedGen C1854260, MONDO:0013446, OMIM 613826.

Allele frequency attached by ClinVar (database versions not stated): gnomAD exomes below 0.00001.
gnomAD v4.1: 5 of 1,596,728 alleles (0.00031%); highest among the groups gnomAD compares: Non-Finnish European, 0.00043%; no homozygotes.

Submission:

Labcorp Genetics (formerly Invitae), Labcorp
Classification: Uncertain significance for Leber congenital amaurosis 6; Cone-rod dystrophy 13. Last evaluated: 2021-10-07. Review status: criteria provided, single submitter. Criteria: Invitae Variant Classification Sherloc (09022015). Collection method: clinical testing. Allele origin: germline.
Comment: In summary, the available evidence is currently insufficient to determine the role of this variant in disease. Therefore, it has been classified as a Variant of Uncertain Significance. Algorithms developed to predict the effect of missense changes on protein structure and function output the following: SIFT: "Tolerated"; PolyPhen-2: "Possibly Damaging"; Align-GVGD: "Class C0". The cysteine amino acid residue is found in multiple mammalian species, which suggests that this missense change does not adversely affect protein function. This variant has not been reported in the literature in individuals affected with RPGRIP1-related conditions. This variant is not present in population databases (ExAC no frequency). This sequence change replaces glycine with cysteine at codon 132 of the RPGRIP1 protein (p.Gly132Cys). The glycine residue is weakly conserved and there is a large physicochemical difference between glycine and cysteine.

NM_020366.4(RPGRIP1):c.394G>T (p.Gly132Cys)

Gene: RPGRIP1 (RPGR interacting protein 1; plus strand). Cytogenetic location: 14q11.2.
Variant type: single nucleotide variant.
Coding change: c.394G>T on transcript NM_020366.4 (MANE Select); coding-DNA position 394, G replaced by T.
Protein change: p.Gly132Cys; replaces glycine 132 with cysteine.
Molecular consequence: missense variant.
Genome position (GRCh38, 1-based): chr14:21,301,141, G>T. VCF-style: chr14-21301141-G-T. GRCh37 (hg19) VCF-style: chr14-21769300-G-T.
Other names: short protein forms G132C.
Identifiers: ClinVar variation 1494845 (VCV001494845.6), dbSNP rs2139156699, ClinGen allele CA388859137.